The following is an entry in ClinVar:

ClinVar aggregate classification (germline): Conflicting classifications of pathogenicity. Review status: criteria provided, conflicting classifications (1 of 4 stars). 5 submissions from 5 submitters: Uncertain significance (3); Likely benign (2). Last evaluated 2026-06-24.

Conditions:
Cardiovascular phenotype. Identifiers: MedGen CN230736.
CASQ2-related disorder. Also called: CASQ2-related condition.
Catecholaminergic polymorphic ventricular tachycardia 2. Also called: CASQ2-Related Catecholaminergic Polymorphic Ventricular Tachycardia; VENTRICULAR TACHYCARDIA, STRESS-INDUCED POLYMORPHIC 2. Identifiers: Orphanet 3286, MedGen C2677794, MONDO:0012762, OMIM 611938.

Allele frequency attached by ClinVar (database versions not stated): gnomAD exomes 0.00019; 1000 Genomes Project 30x 0.00172; ExAC 0.00023; gnomAD 0.00073 and 0.00076; TOPMed 0.00073; 1000 Genomes Project 0.00140.
gnomAD v4.1: 210 of 1,608,828 alleles (0.013%); highest among the groups gnomAD compares: African/African-American, 0.22%; 1 homozygote.

Submissions (5):

PreventionGenetics, part of Exact Sciences
Classification: Likely benign for CASQ2-related condition. Last evaluated: 2026-06-24. Review status: criteria provided, single submitter. Criteria: ACMG Guidelines, 2015. Collection method: clinical testing. Allele origin: germline.
Comment: This variant is classified as likely benign based on ACMG/AMP sequence variant interpretation guidelines (Richards et al. 2015 PMID: 25741868, with internal and published modifications).

Blueprint Genetics
Classification: Uncertain significance. Last evaluated: 2024-07-04. Review status: criteria provided, single submitter. Criteria: ACMG Guidelines, 2015. Collection method: clinical testing. Allele origin: germline.

ARUP Laboratories, Molecular Genetics and Genomics, ARUP Laboratories
Classification: Uncertain significance for Catecholaminergic polymorphic ventricular tachycardia 2. Last evaluated: 2023-10-16. Review status: criteria provided, single submitter. Criteria: ARUP Molecular Germline Variant Investigation Process 2024. Collection method: clinical testing. Allele origin: germline.
Comment: The CASQ2 c.730_731delinsTG; p.His244Cys variant, to our knowledge, is not reported in the medical literature but is reported in ClinVar (Variation ID: 228471). This variant consists of two single nucleotide variants, c.730C>T (rs142036299) and c.731A>G (rs28730716), in adjacent nucleotides on the same chromosome. The individual variants, c.730C>T and c.731A>G, are found in the African population with overall allele frequencies of 0.23% (54/23932 alleles) and 8.3% (1990/23868 alleles), respectively, in the Genome Aggregation Database, and available data indicates that c.730C>T may always occur with c.731A>G. The histidine at codon 244 is highly conserved, and computational analyses (SIFT, PolyPhen-2) predict that this variant is deleterious. However, given the lack of clinical and functional data, the significance of the p.His244Cys variant is uncertain at this time.

Ambry Genetics
Classification: Uncertain significance for Cardiovascular phenotype. Last evaluated: 2021-01-13. Review status: criteria provided, single submitter. Criteria: Ambry Variant Classification Scheme 2023. Collection method: clinical testing. Allele origin: germline.
Comment: The p.H244Y variant (also known as c.730C>T), located in coding exon 6 of the CASQ2 gene, results from a C to T substitution at nucleotide position 730. The histidine at codon 244 is replaced by tyrosine, an amino acid with some similar properties. This alteration has been reported in a proband with left ventricular non-compaction (LVNC) who also carried alterations in other cardiac-related genes (Hoedemaekers YM et al. Circ Cardiovasc Genet, 2010 Jun;3:232-9). This variant has also been reported in a sudden unexplained death cohort and a catecholaminergic polymorphic ventricular tachycardia (CPVT) cohort; however, clinical details were limited (Sanchez O et al. PLoS ONE, 2016 Dec;11:e0167358; Landstrom AP et al. Circ Arrhythm Electrophysiol, 2017 Apr;10:). This amino acid position is highly conserved in available vertebrate species. In addition, the in silico prediction for this alteration is inconclusive. Since supporting evidence is limited at this time, the clinical significance of this alteration remains unclear.

Laboratory for Molecular Medicine, Mass General Brigham Personalized Medicine
Classification: Likely benign. Last evaluated: 2015-02-05. Review status: criteria provided, single submitter. Criteria: LMM Criteria. Collection method: clinical testing. Allele origin: germline. Observed: 1 variant allele.
Comment: p.His244Tyr in exon 6 of CASQ2: This variant is not expected to have clinical si gnificance because it has been identified in 0.3% (25/9422) of African chromosom es by the Exome Aggregation Consortium (ExAC; db SNP rs142036299).

Literature cited by the submitters: PubMed 20530761 (cited by Ambry Genetics); PubMed 27930701 (cited by Ambry Genetics); PubMed 28404607 (cited by Ambry Genetics).

NM_001232.4(CASQ2):c.730C>T (p.His244Tyr)

Gene: CASQ2 (calsequestrin 2; minus strand). Cytogenetic location: 1p13.1.
Variant type: single nucleotide variant.
Coding change: c.730C>T on transcript NM_001232.4 (MANE Select); coding-DNA position 730, C replaced by T.
Protein change: p.His244Tyr; replaces histidine 244 with tyrosine.
Molecular consequence: missense variant.
Genome position (GRCh38, 1-based): chr1:115,726,999, G>A on the plus strand (C>T on the coding strand, the complement: CASQ2 is on the minus strand). VCF-style: chr1-115726999-G-A. GRCh37 (hg19) VCF-style: chr1-116269620-G-A.
Other names: short protein forms H244Y.
Identifiers: ClinVar variation 227210 (VCV000227210.18), dbSNP rs142036299, ClinGen allele CA1023814.